The following is an entry in ClinVar:

ClinVar aggregate classification (germline): Uncertain significance (1 of 4 stars; one submission).

Conditions:
Hereditary hemochromatosis (HFE). Identifiers: MedGen C0392514, MONDO:0006507. Disease mechanism: loss of function.

Submission:

Labcorp Genetics (formerly Invitae), Labcorp
Classification: Uncertain significance for Hereditary hemochromatosis. Last evaluated: 2024-10-29. Review status: criteria provided, single submitter. Criteria: Invitae Variant Classification Sherloc (09022015). Collection method: clinical testing. Allele origin: germline.
Comment: This sequence change replaces leucine, which is neutral and non-polar, with proline, which is neutral and non-polar, at codon 296 of the TFR2 protein (p.Leu296Pro). This variant is not present in population databases (gnomAD no frequency). This variant has not been reported in the literature in individuals affected with TFR2-related conditions. Invitae Evidence Modeling of protein sequence and biophysical properties (such as structural, functional, and spatial information, amino acid conservation, physicochemical variation, residue mobility, and thermodynamic stability) indicates that this missense variant is expected to disrupt TFR2 protein function with a positive predictive value of 95%. In summary, the available evidence is currently insufficient to determine the role of this variant in disease. Therefore, it has been classified as a Variant of Uncertain Significance.

NM_003227.4(TFR2):c.887T>C (p.Leu296Pro)

Gene: TFR2 (transferrin receptor 2; minus strand). Cytogenetic location: 7q22.1.
Variant type: single nucleotide variant.
Coding change: c.887T>C on transcript NM_003227.4 (MANE Select); coding-DNA position 887, T replaced by C.
Protein change: p.Leu296Pro; replaces leucine 296 with proline.
Molecular consequence: missense variant.
Genome position (GRCh38, 1-based): chr7:100,632,161, A>G on the plus strand (T>C on the coding strand, the complement: TFR2 is on the minus strand). VCF-style: chr7-100632161-A-G. GRCh37 (hg19) VCF-style: chr7-100229784-A-G.
Other names: c.374T>C, p.Leu125Pro (NM_001206855.3); short protein forms L125P, L296P.
Identifiers: ClinVar variation 3628575 (VCV003628575.2).
Genomic context (GRCh38, chr7:100,632,161, plus strand): 5'-TGGCTGGACAGGCTTGGCTTGGGTGGGTCCTGGGAGAAGTCCGCTGGCTCTGGGTATATG[A>G]GCACTCCTTGAGCCCCGAAGTCCTGAGCATTGGTCACCTGGGGAGGAAGGTGACTAGAGG-3'
Protein context (NP_003218.2, residues 286-306): NAQDFGAQGV[Leu296Pro]IYPEPADFSQ